The following is an entry in ClinVar:

NM_001378120.1(MBD5):c.1259G>A (p.Gly420Glu)

Gene: MBD5 (methyl-CpG binding domain protein 5; plus strand). Cytogenetic location: 2q23.1.
Variant type: single nucleotide variant.
Coding change: c.1259G>A on transcript NM_001378120.1 (MANE Select); coding-DNA position 1259, G replaced by A.
Protein change: p.Gly420Glu; replaces glycine 420 with glutamic acid.
Molecular consequence: missense variant.
Genome position (GRCh38, 1-based): chr2:148,469,202, G>A. VCF-style: chr2-148469202-G-A. GRCh37 (hg19) VCF-style: chr2-149226771-G-A.
Other names: c.1259G>A (NM_018328.4); c.1259G>A, p.Gly420Glu (NM_018328.5); short protein forms G420E.
Identifiers: ClinVar variation 1037268 (VCV001037268.15), dbSNP rs142661175, ClinGen allele CA57578109.

ClinVar aggregate classification (germline): Uncertain significance. Review status: criteria provided, multiple submitters, no conflicts (2 of 4 stars). 2 submissions from 2 submitters: Uncertain significance (2). Last evaluated 2024-11-05.

Conditions:
Intellectual developmental disorder, autosomal dominant 1. Also called: Intellectual disability, autosomal dominant 1; MBD5 Haploinsufficiency. Identifiers: Orphanet 228402, MedGen C1969562, MONDO:0007974, OMIM 156200.

Allele frequency attached by ClinVar (database versions not stated): ESP Exome Variant Server 0.00008; TOPMed 0.00002; gnomAD 0.00001.
gnomAD v4.1: 4 of 1,613,864 alleles (0.00025%); highest among the groups gnomAD compares: African/African-American, 0.0013%; no homozygotes.

Submissions (2):

Labcorp Genetics (formerly Invitae), Labcorp
Classification: Uncertain significance for Intellectual developmental disorder, autosomal dominant 1. Last evaluated: 2024-11-05. Review status: criteria provided, single submitter. Criteria: Invitae Variant Classification Sherloc (09022015). Collection method: clinical testing. Allele origin: germline.
Comment: This sequence change replaces glycine, which is neutral and non-polar, with glutamic acid, which is acidic and polar, at codon 420 of the MBD5 protein (p.Gly420Glu). This variant is present in population databases (rs142661175, gnomAD 0.007%). This variant has not been reported in the literature in individuals affected with MBD5-related conditions. ClinVar contains an entry for this variant (Variation ID: 1037268). Invitae Evidence Modeling of protein sequence and biophysical properties (such as structural, functional, and spatial information, amino acid conservation, physicochemical variation, residue mobility, and thermodynamic stability) has been performed for this missense variant. However, the output from this modeling did not meet the statistical confidence thresholds required to predict the impact of this variant on MBD5 protein function. In summary, the available evidence is currently insufficient to determine the role of this variant in disease. Therefore, it has been classified as a Variant of Uncertain Significance.

Revvity Omics, Revvity
Classification: Uncertain significance. Last evaluated: 2022-05-23. Review status: criteria provided, single submitter. Criteria: ACMG Guidelines, 2015. Collection method: clinical testing. Allele origin: germline.